The following is an entry in ClinVar:

ClinVar aggregate classification (germline): Uncertain significance (1 of 4 stars; one submission).

Conditions:
Myofibrillar myopathy 5. Also called: Filaminopathy (type); FILAMINOPATHY, AUTOSOMAL DOMINANT. Identifiers: Orphanet 171445, MedGen C1836050, MONDO:0012289, OMIM 609524.
Distal myopathy with posterior leg and anterior hand involvement. Also called: WILLIAMS DISTAL MYOPATHY. Identifiers: Orphanet 63273, MedGen C3279722, MONDO:0013550, OMIM 614065.
Hypertrophic cardiomyopathy 26. Also called: Cardiomyopathy, familial hypertrophic, 26. Identifiers: Orphanet 75249, MedGen C4310749, MONDO:0014883, OMIM 617047.

Allele frequency attached by ClinVar (database versions not stated): gnomAD exomes 0.00001.

Submission:

Labcorp Genetics (formerly Invitae), Labcorp
Classification: Uncertain significance for Distal myopathy with posterior leg and anterior hand involvement; Myofibrillar myopathy 5; Hypertrophic cardiomyopathy 26. Last evaluated: 2022-08-08. Review status: criteria provided, single submitter. Criteria: Invitae Variant Classification Sherloc (09022015). Collection method: clinical testing. Allele origin: germline.
Comment: This variant has not been reported in the literature in individuals affected with FLNC-related conditions. This variant is present in population databases (no rsID available, gnomAD 0.006%). This sequence change replaces valine, which is neutral and non-polar, with isoleucine, which is neutral and non-polar, at codon 2046 of the FLNC protein (p.Val2046Ile). Algorithms developed to predict the effect of missense changes on protein structure and function (SIFT, PolyPhen-2, Align-GVGD) all suggest that this variant is likely to be tolerated. In summary, the available evidence is currently insufficient to determine the role of this variant in disease. Therefore, it has been classified as a Variant of Uncertain Significance.

NM_001458.5(FLNC):c.6136G>A (p.Val2046Ile)

Genes: FLNC-AS1 (FLNC antisense RNA 1; minus strand), FLNC (filamin C; plus strand). Cytogenetic location: 7q32.1.
Variant type: single nucleotide variant.
Coding change: c.6136G>A on transcript NM_001458.5 (MANE Select); coding-DNA position 6136, G replaced by A.
Protein change: p.Val2046Ile; replaces valine 2046 with isoleucine.
Molecular consequence: missense variant.
Genome position (GRCh38, 1-based): chr7:128,852,959, G>A. VCF-style: chr7-128852959-G-A. GRCh37 (hg19) VCF-style: chr7-128493013-G-A.
Other names: c.6037G>A, p.Val2013Ile (NM_001127487.2); short protein forms V2013I, V2046I.
Identifiers: ClinVar variation 2428175 (VCV002428175.5), dbSNP rs1214876372, ClinGen allele CA369211368.